The following is an entry in ClinVar:

NM_001267550.2(TTN):c.102103G>A (p.Asp34035Asn)

Genes: TTN (titin; minus strand), TTN-AS1 (TTN antisense RNA 1; plus strand). Cytogenetic location: 2q31.2.
Variant type: single nucleotide variant.
Coding change: c.102103G>A on transcript NM_001267550.2 (MANE Select); coding-DNA position 102103, G replaced by A.
Protein change: p.Asp34035Asn; replaces aspartic acid 34035 with asparagine.
Molecular consequence: missense variant.
Genome position (GRCh38, 1-based): chr2:178,534,512, C>T on the plus strand (G>A on the coding strand, the complement: TTN is on the minus strand). VCF-style: chr2-178534512-C-T. GRCh37 (hg19) VCF-style: chr2-179399239-C-T.
Other names: p.D32394N:GAT>AAT; c.97180G>A, p.Asp32394Asn (NM_001256850.1); c.94399G>A, p.Asp31467Asn (NM_133378.4); c.74908G>A, p.Asp24970Asn (NM_003319.4); c.75283G>A, p.Asp25095Asn (NM_133432.3); c.75484G>A, p.Asp25162Asn (NM_133437.4); short protein forms D34035N, D31467N, D32394N, D24970N, D25162N, D25095N.
Identifiers: ClinVar variation 47645 (VCV000047645.43), dbSNP rs144963736, ClinGen allele CA141584.

ClinVar aggregate classification (germline): Conflicting classifications of pathogenicity. Review status: criteria provided, conflicting classifications (1 of 4 stars). 24 submissions from 20 submitters: Uncertain significance (1); Benign (11); Likely benign (8). 4 of the submissions do not count toward it. Last evaluated 2026-07-01.

Conditions:
Cardiovascular phenotype. Identifiers: MedGen CN230736.
Autosomal recessive limb-girdle muscular dystrophy type 2J (LGMDR10). Also called: MUSCULAR DYSTROPHY, LIMB-GIRDLE, AUTOSOMAL RECESSIVE 10; Limb-girdle muscular dystrophy, type 2J. Identifiers: Orphanet 140922, MedGen C1837342, MONDO:0012127, OMIM 608807.
Dilated cardiomyopathy 1G (CMD1G). Identifiers: Orphanet 154, MedGen C1858763, MONDO:0011400, OMIM 604145.
Cardiomyopathy (CMYO). Also called: Cardiomyopathies. Identifiers: Orphanet 167848, MedGen C0878544, MONDO:0004994, HP:0001638. Inheritance: Various modes of inheritance.
Early-onset myopathy with fatal cardiomyopathy (CMYO5). Also called: CONGENITAL MYOPATHY 5 WITH CARDIOMYOPATHY; Salih Myopathy. Identifiers: Orphanet 289377, MedGen C2673677, MONDO:0012714, OMIM 611705. Disease mechanism: loss of function.
Tibial muscular dystrophy (TMD). Also called: Tibial muscular dystrophy, tardive; Udd Distal Myopathy – Tibial Muscular Dystrophy; UDD MYOPATHY. Identifiers: Orphanet 609, MedGen C1838244, MONDO:0010870, OMIM 600334.
Myopathy, myofibrillar, 9, with early respiratory failure (MFM9). Also called: Myopathy, distal, with early respiratory failure, autosomal dominant; Hereditary myopathy with early respiratory failure; EDSTROM MYOPATHY; MYOPATHY, PROXIMAL, WITH EARLY RESPIRATORY MUSCLE INVOLVEMENT. Identifiers: Orphanet 178464, Orphanet 34521, MedGen C1863599, MONDO:0011362, OMIM 603689.
Primary dilated cardiomyopathy (DCM). Also called: Dilated Cardiomyopathy. Identifiers: Orphanet 217604, MedGen C0007193, MeSH D002311, MONDO:0005021, HP:0001644. Inheritance: Various modes of inheritance.

Allele frequency attached by ClinVar (database versions not stated): gnomAD exomes 0.00028 and 0.00078; 1000 Genomes Project 0.00300; ESP Exome Variant Server 0.00256; TOPMed 0.00280; ExAC 0.00098; 1000 Genomes Project 30x 0.00312.
gnomAD v4.1: 803 of 1,613,782 alleles (0.05%); highest among the groups gnomAD compares: African/African-American, 0.93%; 4 homozygotes.

Submissions (24):

CeGaT Center for Human Genetics Tuebingen
Classification: Likely benign. Last evaluated: 2026-07-01. Review status: criteria provided, single submitter. Criteria: CeGaT Center For Human Genetics Tuebingen Variant Classification Criteria Version 2. Collection method: clinical testing. Allele origin: germline. Affected: yes. Observed: 2 variant alleles.
Comment: TTN: BS2

Labcorp Genetics (formerly Invitae), Labcorp
Classification: Benign for Dilated cardiomyopathy 1G; Autosomal recessive limb-girdle muscular dystrophy type 2J. Last evaluated: 2026-02-03. Review status: criteria provided, single submitter. Criteria: Invitae Variant Classification Sherloc (09022015). Collection method: clinical testing. Allele origin: germline.

Molecular Diagnostic Laboratory for Inherited Cardiovascular Disease, Montreal Heart Institute
Classification: Benign. Last evaluated: 2025-04-09. Review status: criteria provided, single submitter. Criteria: ACMG Guidelines, 2015. Collection method: clinical testing. Allele origin: germline. Affected: no.

ARUP Laboratories, Molecular Genetics and Genomics, ARUP Laboratories
Classification: Benign. Last evaluated: 2025-03-21. Review status: criteria provided, single submitter. Criteria: ARUP Molecular Germline Variant Investigation Process 2024. Collection method: clinical testing. Allele origin: germline.

Blueprint Genetics
Classification: Likely benign. Last evaluated: 2024-11-13. Review status: criteria provided, single submitter. Criteria: ACMG Guidelines, 2015. Collection method: clinical testing. Allele origin: germline.

GeneDx
Classification: Likely benign. Last evaluated: 2021-04-27. Review status: criteria provided, single submitter. Criteria: GeneDx Variant Classification Process June 2021. Collection method: clinical testing. Allele origin: germline. Affected: yes.
Comment: This variant is associated with the following publications: (PMID: 23861362, 27392081)

Women's Health and Genetics/Laboratory Corporation of America, LabCorp
Classification: Benign. Last evaluated: 2020-08-17. Review status: criteria provided, single submitter. Criteria: LabCorp Variant Classification Summary - May 2015. Collection method: clinical testing. Allele origin: germline.
Comment: Variant summary: TTN c.94399G>A (p.Asp31467Asn) results in a conservative amino acid change in the encoded protein sequence. Three of five in-silico tools predict a damaging effect of the variant on protein function. The variant allele was found at a frequency of 0.00078 in 248678 control chromosomes, predominantly at a frequency of 0.0098 within the African or African-American subpopulation in the gnomAD database, including 1 homozygotes. The observed variant frequency within African or African-American control individuals in the gnomAD database is approximately 25 fold of the estimated maximal expected allele frequency for a pathogenic variant in TTN causing Dilated Cardiomyopathy phenotype (0.00039), strongly suggesting that the variant is a benign polymorphism found primarily in populations of African or African-American origin. To our knowledge, no occurrence of c.94399G>A in individuals affected with Dilated Cardiomyopathy and no experimental evidence demonstrating its impact on protein function have been reported. Co-occurrence with a pathogenic variant has been reported (TTN c.62134C>T, p.Gln20712X), providing supporting evidence for a benign role. Seven clinical diagnostic laboratories have submitted clinical-significance assessments for this variant to ClinVar after 2014 without evidence for independent evaluation and all laboratories classified this variant as benign/likely benign. Based on the evidence outlined above, the variant was classified as benign.

Ambry Genetics
Classification: Benign for Cardiovascular phenotype. Last evaluated: 2018-04-05. Review status: criteria provided, single submitter. Criteria: Ambry Variant Classification Scheme 2023. Collection method: clinical testing. Allele origin: germline.

Center for Advanced Laboratory Medicine, UC San Diego Health, University of California San Diego
Classification: Benign for Dilated cardiomyopathy. Last evaluated: 2018-02-07. Review status: criteria provided, single submitter. Criteria: ACMG Guidelines, 2015. Collection method: clinical testing. Allele origin: germline. Affected: yes. Observed: 2 variant alleles.

Illumina Laboratory Services, Illumina
Classification: Likely benign for Dilated cardiomyopathy 1G. Last evaluated: 2018-01-13. Review status: criteria provided, single submitter. Criteria: ICSL Variant Classification Criteria 13 December 2019. Collection method: clinical testing. Allele origin: germline.
Comment: This variant was observed in the ICSL laboratory as part of a predisposition screen in an ostensibly healthy population. It had not been previously curated by ICSL or reported in the Human Gene Mutation Database (HGMD: prior to June 1st, 2018), and was therefore a candidate for classification through an automated scoring system. Utilizing variant allele frequency, disease prevalence and penetrance estimates, and inheritance mode, an automated score was calculated to assess if this variant is too frequent to cause the disease. Based on the score and internal cut-off values, a variant classified as likely benign is not then subjected to further curation. The score for this variant resulted in a classification of likely benign for this disease.

Illumina Laboratory Services, Illumina
Classification: Benign for Myopathy, myofibrillar, 9, with early respiratory failure. Last evaluated: 2018-01-13. Review status: criteria provided, single submitter. Criteria: ICSL Variant Classification Criteria 13 December 2019. Collection method: clinical testing. Allele origin: germline.
Comment: This variant was observed in the ICSL laboratory as part of a predisposition screen in an ostensibly healthy population. It had not been previously curated by ICSL or reported in the Human Gene Mutation Database (HGMD: prior to June 1st, 2018), and was therefore a candidate for classification through an automated scoring system. Utilizing variant allele frequency, disease prevalence and penetrance estimates, and inheritance mode, an automated score was calculated to assess if this variant is too frequent to cause the disease. Based on the score and internal cut-off values, a variant classified as benign is not then subjected to further curation. The score for this variant resulted in a classification of benign for this disease.

Illumina Laboratory Services, Illumina
Classification: Likely benign for Early-onset myopathy with fatal cardiomyopathy. Last evaluated: 2018-01-13. Review status: criteria provided, single submitter. Criteria: ICSL Variant Classification Criteria 13 December 2019. Collection method: clinical testing. Allele origin: germline.
Comment: the same text as in the submission from Illumina Laboratory Services, Illumina above.

Illumina Laboratory Services, Illumina
Classification: Benign for Tibial muscular dystrophy. Last evaluated: 2018-01-13. Review status: criteria provided, single submitter. Criteria: ICSL Variant Classification Criteria 13 December 2019. Collection method: clinical testing. Allele origin: germline.
Comment: the same text as in the submission from Illumina Laboratory Services, Illumina above.

Illumina Laboratory Services, Illumina
Classification: Uncertain significance for Autosomal recessive limb-girdle muscular dystrophy type 2J. Last evaluated: 2018-01-13. Review status: criteria provided, single submitter. Criteria: ICSL Variant Classification Criteria 13 December 2019. Collection method: clinical testing. Allele origin: germline.

Athena Diagnostics
Classification: Benign. Last evaluated: 2017-11-01. Review status: criteria provided, single submitter. Criteria: Athena Diagnostics Criteria. Collection method: clinical testing. Allele origin: germline.

CHEO Genetics Diagnostic Laboratory, Children's Hospital of Eastern Ontario
Classification: Likely benign for Cardiomyopathy. Last evaluated: 2017-08-03. Review status: criteria provided, single submitter. Criteria: ACMG Guidelines, 2015. Collection method: clinical testing. Allele origin: germline. Study: Canadian Open Genetics Repository.

Eurofins Ntd Llc (ga)
Classification: Benign. Last evaluated: 2015-08-17. Review status: criteria provided, single submitter. Criteria: EGL Classification Definitions 2015. Collection method: clinical testing. Allele origin: germline. Observed: 1 variant allele, 1 heterozygote.

Biesecker Lab/Clinical Genomics Section, National Institutes of Health
Classification: Benign. Last evaluated: 2013-06-24. Review status: criteria provided, single submitter. Criteria: Ng et al. (Circ Cardiovasc Genet. 2013). Collection method: research. Allele origin: unknown. Observed: 1 variant allele. Study: ClinSeq.
Comment: The study set was not selected for affection status in relation to any cancer. Pathogenicity categories were based on literature curation. See Pubmed ID:23861362 for details.

Medical sequencing

Laboratory for Molecular Medicine, Mass General Brigham Personalized Medicine
Classification: Likely benign. Last evaluated: 2012-01-10. Review status: criteria provided, single submitter. Criteria: LMM Criteria. Collection method: clinical testing. Allele origin: germline. Observed: 2 variant alleles.
Comment: Asp31467Asn in exon 307 of TTN: This variant is not expected to have clinical si gnificance because it has been identified in 0.8% (27/3158) of African American chromosomes from a broad population by the NHLBI Exome Sequencing Project (dbSNP rs144963736). Asp31467Asn in exon 307 of TTN (rs144963736, allele frequency = 0.8%, 27/3158) **

PreventionGenetics, part of Exact Sciences
Classification: Likely benign. Review status: criteria provided, single submitter. Criteria: ACMG Guidelines, 2015. Collection method: clinical testing. Allele origin: germline.

Clinical Genetics DNA and cytogenetics Diagnostics Lab, Erasmus MC, Erasmus Medical Center
Classification: Likely benign. Review status: no assertion criteria provided. Collection method: clinical testing. Allele origin: germline. Affected: yes. Study: VKGL Data-share Consensus. Not counted in ClinVar's aggregate classification.

Clinical Genetics, Academic Medical Center
Classification: Benign. Review status: no assertion criteria provided. Collection method: clinical testing. Allele origin: germline. Affected: yes. Study: VKGL Data-share Consensus. Not counted in ClinVar's aggregate classification.

Diagnostic Laboratory, Department of Genetics, University Medical Center Groningen
Classification: Benign. Review status: no assertion criteria provided. Collection method: clinical testing. Allele origin: germline. Affected: yes. Study: VKGL Data-share Consensus. Not counted in ClinVar's aggregate classification.

Genome Diagnostics Laboratory, University Medical Center Utrecht
Classification: Likely benign. Review status: no assertion criteria provided. Collection method: clinical testing. Allele origin: germline. Affected: yes. Study: VKGL Data-share Consensus. Not counted in ClinVar's aggregate classification.